The following is an entry in ClinVar:

NM_004360.5(CDH1):c.2330A>T (p.Asp777Val)

Gene: CDH1 (cadherin 1; plus strand). Cytogenetic location: 16q22.1.
Variant type: single nucleotide variant.
Coding change: c.2330A>T on transcript NM_004360.5 (MANE Select); coding-DNA position 2330, A replaced by T.
Protein change: p.Asp777Val; replaces aspartic acid 777 with valine.
Molecular consequence: missense variant.
Genome position (GRCh38, 1-based): chr16:68,829,688, A>T. VCF-style: chr16-68829688-A-T. GRCh37 (hg19) VCF-style: chr16-68863591-A-T.
Other names: c.2147A>T, p.Asp716Val (NM_001317184.2); c.782A>T, p.Asp261Val (NM_001317185.2); c.365A>T, p.Asp122Val (NM_001317186.2); short protein forms D122V, D261V, D716V, D777V.
Identifiers: ClinVar variation 1021161 (VCV001021161.11), dbSNP rs1961426295, ClinGen allele CA396470917.

ClinVar aggregate classification (germline): Uncertain significance. Review status: criteria provided, multiple submitters, no conflicts (2 of 4 stars). 2 submissions from 2 submitters: Uncertain significance (2). Last evaluated 2026-07-15.

Conditions:
Hereditary diffuse gastric adenocarcinoma (HDGC). Also called: DIFFUSE GASTRIC AND LOBULAR BREAST CANCER SYNDROME. Identifiers: Orphanet 26106, MedGen C1708349, MONDO:0007648, OMIM 137215.
CDH1-related diffuse gastric and lobular breast cancer syndrome. Also called: CDH1-related diffuse gastric and lobular breast cancer. Identifiers: MedGen CN311521, MONDO:0100488.

Submissions (2):

Hema, HEMA – Genetic and Molecular Diagnostic Laboratory
Classification: Uncertain significance for CDH1-related diffuse gastric and lobular breast cancer syndrome. Last evaluated: 2026-07-15. Review status: criteria provided, single submitter. Criteria: HEMA Variant Classification Assertion Criteria. Collection method: clinical testing. Allele origin: germline.
Comment: The c.2330A>T p.(Asp777Val) variant is a transversion from adenine to thymine, resulting in the substitution of aspartic acid 777 by valine in the CDH1 protein. PM2_Supporting: Absent in the gnomAD v4.1.1 database.

Labcorp Genetics (formerly Invitae), Labcorp
Classification: Uncertain significance for Hereditary diffuse gastric adenocarcinoma. Last evaluated: 2020-02-04. Review status: criteria provided, single submitter. Criteria: Invitae Variant Classification Sherloc (09022015). Collection method: clinical testing. Allele origin: germline.
Comment: In summary, the available evidence is currently insufficient to determine the role of this variant in disease. Therefore, it has been classified as a Variant of Uncertain Significance. Algorithms developed to predict the effect of missense changes on protein structure and function are either unavailable or do not agree on the potential impact of this missense change (SIFT: "Deleterious"; PolyPhen-2: "Probably Damaging"; Align-GVGD: "Class C15"). This variant has not been reported in the literature in individuals with CDH1-related conditions. This variant is not present in population databases (ExAC no frequency). This sequence change replaces aspartic acid with valine at codon 777 of the CDH1 protein (p.Asp777Val). The aspartic acid residue is highly conserved and there is a large physicochemical difference between aspartic acid and valine.